The following is an entry in ClinVar:

NM_006949.4(STXBP2):c.313TTC[1] (p.Phe106del)

Gene: STXBP2 (syntaxin binding protein 2; plus strand). Cytogenetic location: 19p13.2.
Variant type: Microsatellite.
Coding change: c.313TTC[1] on transcript NM_006949.4 (MANE Select); one copy of the 3-base unit TTC starting at c.313; the reference has two copies in a row; one copy, 3 bases deleted.
Protein change: p.Phe106del; deletes phenylalanine 106.
Molecular consequence: inframe deletion. On other transcripts: non-coding transcript variant (1).
Genome position (GRCh38, 1-based): chr19:7,640,800-7,640,802, TTC deleted; deleting any 3 consecutive bases within chr19:7,640,795-7,640,802 gives the same sequence; the position shown is the placement nearest the transcript's 3' end. VCF-style (leftmost placement, unchanged base first): chr19-7640794-ATCT-A. GRCh37 (hg19) VCF-style: chr19-7705680-ATCT-A.
Other names: c.304TTC[1], p.Phe103del (NM_001127396.3); c.346TTC[1], p.Phe117del (NM_001272034.2); c.217TTC[1], p.Phe74del (NM_001414484.1); short protein forms F103del, F106del, F74del, F117del.
Identifiers: ClinVar variation 4723563 (VCV004723563.1).
Genomic context (GRCh38, chr19:7,640,794, plus strand): 5'-GTTCAGGCCCTGATCAAAGACTTCCAGGGGACCCCGACTTTCACCTACAAAGCGGCCCAT[ATCT>A]TCTTCACCGACAGTGAGTGAGGAGAGCCTAGGGTGTTGGTGGGTGGGGCAAGGAGGTGTG-3'

ClinVar aggregate classification (germline): Uncertain significance (1 of 4 stars; one submission).

Conditions:
Familial hemophagocytic lymphohistiocytosis 5. Also called: STXBP2-Related Familial Hemophagocytic Lymphohistiocytosis (STXBP2-fHLH). Identifiers: Orphanet 540, MedGen C2751293, MONDO:0013135, OMIM 613101.

Submission:

Labcorp Genetics (formerly Invitae), Labcorp
Classification: Uncertain significance for Familial hemophagocytic lymphohistiocytosis 5. Last evaluated: 2025-07-20. Review status: criteria provided, single submitter. Criteria: Invitae Variant Classification Sherloc (09022015). Collection method: clinical testing. Allele origin: germline.
Comment: This variant, c.316_318del, results in the deletion of 1 amino acid(s) of the STXBP2 protein (p.Phe106del), but otherwise preserves the integrity of the reading frame. This variant is present in population databases (no rsID available, gnomAD 0.003%). This variant has not been reported in the literature in individuals affected with STXBP2-related conditions. Experimental studies and prediction algorithms are not available or were not evaluated, and the functional significance of this variant is currently unknown. In summary, the available evidence is currently insufficient to determine the role of this variant in disease. Therefore, it has been classified as a Variant of Uncertain Significance.